The following is an entry in ClinVar:

ClinVar aggregate classification (germline): Pathogenic (1 of 4 stars; one submission).

Conditions:
Pyridoxal phosphate-responsive seizures (PNPOD). Also called: Pyridoxine-5'-phosphate oxidase deficiency; EPILEPTIC ENCEPHALOPATHY, NEONATAL, PNPO-RELATED; SEIZURES, PYRIDOXINE-RESISTANT, PLP-SENSITIVE; Pyridoxamine 5-Prime-Phosphate Oxidase Deficiency; Pyridoxal 5'-Phosphate (PLP)-Dependent Epilepsy. Identifiers: Orphanet 79096, MedGen C1864723, MONDO:0012407, OMIM 610090. Disease mechanism: loss of function.

Submission:

Labcorp Genetics (formerly Invitae), Labcorp
Classification: Pathogenic for Pyridoxal phosphate-responsive seizures. Last evaluated: 2019-03-07. Review status: criteria provided, single submitter. Criteria: Invitae Variant Classification Sherloc (09022015). Collection method: clinical testing. Allele origin: germline.
Comment: Loss-of-function variants in PNPO are known to be pathogenic (PMID: 15772097, 24645144). This variant has not been reported in the literature in individuals with PNPO-related conditions. This variant is not present in population databases (ExAC no frequency). This sequence change creates a premature translational stop signal (p.Ala69Phefs*8) in the PNPO gene. It is expected to result in an absent or disrupted protein product. For these reasons, this variant has been classified as Pathogenic.

Literature cited by the submitters: PubMed 15772097; PubMed 24645144.

NM_018129.4(PNPO):c.205delinsTTTCCCCT (p.Ala69fs)

Gene: PNPO (pyridoxamine 5'-phosphate oxidase; plus strand). Cytogenetic location: 17q21.32.
Variant type: Indel.
Coding change: c.205delinsTTTCCCCT on transcript NM_018129.4 (MANE Select); coding-DNA position 205, G replaced by TTTCCCCT.
Protein change: p.Ala69fs; shifts the reading frame from alanine 69.
Molecular consequence: frameshift variant.
Genome position (GRCh38, 1-based): chr17:47,943,372, G replaced by TTTCCCCT. VCF-style: chr17-47943372-G-TTTCCCCT. GRCh37 (hg19) VCF-style: chr17-46020738-G-TTTCCCCT.
Other names: short protein forms A69fs.
Identifiers: ClinVar variation 967984 (VCV000967984.5), dbSNP rs2035968630, ClinGen allele CA1139665673.